The following is an entry in ClinVar:

NM_004817.4(TJP2):c.699G>A (p.Arg233=)

Gene: TJP2 (tight junction protein 2; plus strand). Cytogenetic location: 9q21.11.
Variant type: single nucleotide variant.
Coding change: c.699G>A on transcript NM_004817.4 (MANE Select); coding-DNA position 699, G replaced by A.
Protein change: p.Arg233=; no amino-acid change (arginine 233 retained).
Molecular consequence: synonymous variant.
Genome position (GRCh38, 1-based): chr9:69,221,243, G>A. VCF-style: chr9-69221243-G-A. GRCh37 (hg19) VCF-style: chr9-71836159-G-A.
Other names: c.630G>A, p.Arg210= (NM_001170414.2, NM_001369870.1, NM_001369871.1); c.711G>A, p.Arg237= (NM_001170415.1, NM_001369874.1, NM_001369875.1); c.792G>A, p.Arg264= (NM_001170416.2); c.699G>A, p.Arg233= (NM_001369872.1, NM_001369873.1, NM_201629.3).
Identifiers: ClinVar variation 3036485 (VCV003036485.2), dbSNP rs768509439, ClinGen allele CA5073073.
Genomic context (GRCh38, chr9:69,221,243, plus strand): 5'-AGACCGCAGCCGTGGCCGGAGCCTGGAGCGGGGCCTGGACCACGACTTTGGGCCATCCCG[G>A]GACCGGGACCGTGACCGCAGCCGCGGCCGGAGCATTGACCAGGACTACGAGCGAGCCTAT-3'
Protein context (NP_004808.2, residues 223-243): RGLDHDFGPS[Arg233=]DRDRDRSRGR

ClinVar aggregate classification (germline): Likely benign (0 of 4 stars; one submission).

Conditions:
TJP2-related disorder. Also called: TJP2-related condition.

Allele frequency attached by ClinVar (database versions not stated): ExAC 0.00001; gnomAD 0.00001; TOPMed 0.00001.
gnomAD v4.1: 23 of 1,607,452 alleles (0.0014%); highest among the groups gnomAD compares: Non-Finnish European, 0.002%; no homozygotes.

Submission:

PreventionGenetics, part of Exact Sciences
Classification: Likely benign for TJP2-related condition. Last evaluated: 2021-10-04. Review status: no assertion criteria provided. Collection method: clinical testing. Allele origin: germline.
Comment: This variant is classified as likely benign based on ACMG/AMP sequence variant interpretation guidelines (Richards et al. 2015 PMID: 25741868, with internal and published modifications).